The following is an entry in ClinVar:

ClinVar aggregate classification (germline): Uncertain significance (1 of 4 stars; one submission).

Conditions:
Bethlem myopathy 1A. Also called: Bethlem myopathy 1; Bethlem Muscular Dystrophy; MYOPATHY, BENIGN CONGENITAL, WITH CONTRACTURES. Identifiers: Orphanet 610, MedGen CN029274, MONDO:0024530, OMIM 158810.

Allele frequency attached by ClinVar (database versions not stated): gnomAD exomes below 0.00001 and 0.00001; ExAC 0.00001; gnomAD 0.00001.
gnomAD v4.1: 8 of 1,614,040 alleles (0.0005%); highest among the groups gnomAD compares: South Asian, 0.0066%; no homozygotes.

Submission:

Labcorp Genetics (formerly Invitae), Labcorp
Classification: Uncertain significance for Bethlem myopathy 1A. Last evaluated: 2023-09-03. Review status: criteria provided, single submitter. Criteria: Invitae Variant Classification Sherloc (09022015). Collection method: clinical testing. Allele origin: germline.
Comment: This sequence change replaces arginine, which is basic and polar, with tryptophan, which is neutral and slightly polar, at codon 2734 of the COL6A3 protein (p.Arg2734Trp). In summary, the available evidence is currently insufficient to determine the role of this variant in disease. Therefore, it has been classified as a Variant of Uncertain Significance. Advanced modeling of protein sequence and biophysical properties (such as structural, functional, and spatial information, amino acid conservation, physicochemical variation, residue mobility, and thermodynamic stability) performed at Invitae indicates that this missense variant is expected to disrupt COL6A3 protein function. ClinVar contains an entry for this variant (Variation ID: 1399076). This variant has not been reported in the literature in individuals affected with COL6A3-related conditions. This variant is present in population databases (rs756868781, gnomAD 0.003%).

NM_004369.4(COL6A3):c.8200C>T (p.Arg2734Trp)

Gene: COL6A3 (collagen type VI alpha 3 chain; minus strand). Cytogenetic location: 2q37.3.
Variant type: single nucleotide variant.
Coding change: c.8200C>T on transcript NM_004369.4 (MANE Select); coding-DNA position 8200, C replaced by T.
Protein change: p.Arg2734Trp; replaces arginine 2734 with tryptophan.
Molecular consequence: missense variant.
Genome position (GRCh38, 1-based): chr2:237,340,716, G>A on the plus strand (C>T on the coding strand, the complement: COL6A3 is on the minus strand). VCF-style: chr2-237340716-G-A. GRCh37 (hg19) VCF-style: chr2-238249359-G-A.
Other names: c.6379C>T, p.Arg2127Trp (NM_057166.5); c.7582C>T, p.Arg2528Trp (NM_057167.4); short protein forms R2528W, R2734W, R2127W.
Identifiers: ClinVar variation 1399076 (VCV001399076.6), dbSNP rs756868781, ClinGen allele CA2187603.